The following is an entry in ClinVar:

NM_001127671.2(LIFR):c.2010C>A (p.Cys670Ter)

Gene: LIFR (LIF receptor subunit alpha; minus strand). Cytogenetic location: 5p13.1.
Variant type: single nucleotide variant.
Coding change: c.2010C>A on transcript NM_001127671.2 (MANE Select); coding-DNA position 2010, C replaced by A.
Protein change: p.Cys670Ter; replaces cysteine 670 with a stop codon.
Molecular consequence: nonsense.
Genome position (GRCh38, 1-based): chr5:38,493,661, G>T on the plus strand (C>A on the coding strand, the complement: LIFR is on the minus strand). VCF-style: chr5-38493661-G-T. GRCh37 (hg19) VCF-style: chr5-38493763-G-T.
Other names: c.2010C>A, p.Cys670Ter (NM_001364297.2, NM_001364298.2, NM_002310.6); short protein forms C670*.
Identifiers: ClinVar variation 2107273 (VCV002107273.4), dbSNP rs755322616, ClinGen allele CA359538759.

ClinVar aggregate classification (germline): Pathogenic (1 of 4 stars; one submission).

Submission:

Labcorp Genetics (formerly Invitae), Labcorp
Classification: Pathogenic. Last evaluated: 2022-03-14. Review status: criteria provided, single submitter. Criteria: Invitae Variant Classification Sherloc (09022015). Collection method: clinical testing. Allele origin: germline.
Comment: This sequence change creates a premature translational stop signal (p.Cys670*) in the LIFR gene. It is expected to result in an absent or disrupted protein product. Loss-of-function variants in LIFR are known to be pathogenic (PMID: 14740318). This variant is not present in population databases (gnomAD no frequency). This variant has not been reported in the literature in individuals affected with LIFR-related conditions. For these reasons, this variant has been classified as Pathogenic.

Literature cited by the submitters: PubMed 14740318.